The following is an entry in ClinVar:

NM_021813.4(BACH2):c.2323G>A (p.Ala775Thr)

Gene: BACH2 (BACH transcriptional regulator 2; minus strand). Cytogenetic location: 6q15.
Variant type: single nucleotide variant.
Coding change: c.2323G>A on transcript NM_021813.4 (MANE Select); coding-DNA position 2323, G replaced by A.
Protein change: p.Ala775Thr; replaces alanine 775 with threonine.
Molecular consequence: missense variant.
Genome position (GRCh38, 1-based): chr6:89,932,611, C>T on the plus strand (G>A on the coding strand, the complement: BACH2 is on the minus strand). VCF-style: chr6-89932611-C-T. GRCh37 (hg19) VCF-style: chr6-90642330-C-T.
Other names: c.2323G>A, p.Ala775Thr (NM_001170794.2); short protein forms A775T.
Identifiers: ClinVar variation 2831568 (VCV002831568.3), dbSNP rs1772730370, ClinGen allele CA365027174.

ClinVar aggregate classification (germline): Uncertain significance (1 of 4 stars; one submission).

Allele frequency attached by ClinVar (database versions not stated): gnomAD exomes below 0.00001; gnomAD 0.00001.
gnomAD v4.1: 3 of 1,613,938 alleles (0.00019%); highest among the groups gnomAD compares: South Asian, 0.0033%; no homozygotes.

Submission:

Labcorp Genetics (formerly Invitae), Labcorp
Classification: Uncertain significance. Last evaluated: 2023-01-24. Review status: criteria provided, single submitter. Criteria: Invitae Variant Classification Sherloc (09022015). Collection method: clinical testing. Allele origin: germline.
Comment: In summary, the available evidence is currently insufficient to determine the role of this variant in disease. Therefore, it has been classified as a Variant of Uncertain Significance. Advanced modeling of protein sequence and biophysical properties (such as structural, functional, and spatial information, amino acid conservation, physicochemical variation, residue mobility, and thermodynamic stability) performed at Invitae indicates that this missense variant is not expected to disrupt BACH2 protein function. This variant has not been reported in the literature in individuals affected with BACH2-related conditions. This variant is not present in population databases (gnomAD no frequency). This sequence change replaces alanine, which is neutral and non-polar, with threonine, which is neutral and polar, at codon 775 of the BACH2 protein (p.Ala775Thr).